The following is an entry in ClinVar:

NM_001382391.1(CSPP1):c.263_267del (p.Lys88fs)

Gene: CSPP1 (centrosome and spindle pole associated protein 1; plus strand). Cytogenetic location: 8q13.1.
Variant type: Deletion.
Coding change: c.263_267del on transcript NM_001382391.1 (MANE Select); coding-DNA positions 263 to 267, 5 bases deleted (AAGAA; older notation c.263_267delAAGAA).
Protein change: p.Lys88fs; shifts the reading frame from lysine 88.
Molecular consequence: frameshift variant. On other transcripts: 5 prime UTR variant (1).
Genome position (GRCh38, 1-based): chr8:67,086,070-67,086,074, AAGAA deleted; deleting any 5 consecutive bases within chr8:67,086,068-67,086,074 gives the same sequence; the c. name uses the placement nearest the transcript's 3' end. VCF-style (leftmost placement, unchanged base first): chr8-67086067-TAAAAG-T. GRCh37 (hg19) VCF-style: chr8-67998302-TAAAAG-T.
Other names: c.-512_-508del (NM_001291339.2); c.263_267del, p.Lys88fs (NM_001363131.2, NM_001363132.2, NM_001363133.2); c.371_375del, p.Lys124fs (NM_001364869.1, NM_001364870.1); c.371_375delAAGAA, p.Lys124Argfs (NM_024790.7); short protein forms K124fs, K88fs.
Identifiers: ClinVar variation 1453492 (VCV001453492.6), dbSNP rs2129543529, ClinGen allele CA2573143225.
Genomic context (GRCh38, chr8:67,086,067, plus strand): 5'-GAATTGATTATGGATTAAGTTTACCACTTGGAGAAGACTATGAACGGAAGAAACATAAAT[TAAAAG>T]AAGAATTGCGGCAAGATTACAGACGTTATCTTACTCAGGTAATGAGTTCTATTAATGAGT-3'

ClinVar aggregate classification (germline): Pathogenic (1 of 4 stars; one submission).

Conditions:
Joubert syndrome 21 (JBTS21). Identifiers: MedGen C3810212, MONDO:0014288, OMIM 615636.

Submission:

Labcorp Genetics (formerly Invitae), Labcorp
Classification: Pathogenic for Joubert syndrome 21. Last evaluated: 2021-11-12. Review status: criteria provided, single submitter. Criteria: Invitae Variant Classification Sherloc (09022015). Collection method: clinical testing. Allele origin: germline.
Comment: This variant is not present in population databases (gnomAD no frequency). For these reasons, this variant has been classified as Pathogenic. This variant has not been reported in the literature in individuals affected with CSPP1-related conditions. This sequence change creates a premature translational stop signal (p.Lys124Argfs*18) in the CSPP1 gene. It is expected to result in an absent or disrupted protein product. Loss-of-function variants in CSPP1 are known to be pathogenic (PMID: 24360807, 24360808).

Literature cited by the submitters: PubMed 24360807; PubMed 24360808.